The following is an entry in ClinVar:

ClinVar aggregate classification (germline): Uncertain significance. Review status: criteria provided, multiple submitters, no conflicts (2 of 4 stars). 2 submissions from 2 submitters: Uncertain significance (2). Last evaluated 2026-05-20.

Conditions:
Inborn genetic diseases. Identifiers: MedGen C0950123, MeSH D030342.
Neuropathy, hereditary sensory, type 1F. Also called: HSN IF; Hereditary sensory neuropathy type IF. Identifiers: Orphanet 36386, MedGen C3810194, MONDO:0014286, OMIM 615632.

Allele frequency attached by ClinVar (database versions not stated): gnomAD exomes below 0.00001; TOPMed 0.00002; gnomAD 0.00001.
gnomAD v4.1: 5 of 1,614,008 alleles (0.00031%); highest among the groups gnomAD compares: African/African-American, 0.0053%; no homozygotes.

Submissions (2):

Ambry Genetics
Classification: Uncertain significance for Inborn genetic diseases. Last evaluated: 2026-05-20. Review status: criteria provided, single submitter. Criteria: Ambry Variant Classification Scheme 2023. Collection method: clinical testing. Allele origin: germline.

Labcorp Genetics (formerly Invitae), Labcorp
Classification: Uncertain significance for Neuropathy, hereditary sensory, type 1F. Last evaluated: 2019-04-29. Review status: criteria provided, single submitter. Criteria: Invitae Variant Classification Sherloc (09022015). Collection method: clinical testing. Allele origin: germline.
Comment: In summary, the available evidence is currently insufficient to determine the role of this variant in disease. Therefore, it has been classified as a Variant of Uncertain Significance. Algorithms developed to predict the effect of missense changes on protein structure and function (SIFT, PolyPhen-2, Align-GVGD) all suggest that this variant is likely to be disruptive, but these predictions have not been confirmed by published functional studies and their clinical significance is uncertain. This variant has not been reported in the literature in individuals with ATL3-related conditions. This variant is not present in population databases (ExAC no frequency). This sequence change replaces aspartic acid with glycine at codon 78 of the ATL3 protein (p.Asp78Gly). The aspartic acid residue is highly conserved and there is a moderate physicochemical difference between aspartic acid and glycine.

NM_015459.5(ATL3):c.233A>G (p.Asp78Gly)

Gene: ATL3 (atlastin GTPase 3; minus strand). Cytogenetic location: 11q13.1.
Variant type: single nucleotide variant.
Coding change: c.233A>G on transcript NM_015459.5 (MANE Select); coding-DNA position 233, A replaced by G.
Protein change: p.Asp78Gly; replaces aspartic acid 78 with glycine.
Molecular consequence: missense variant.
Genome position (GRCh38, 1-based): chr11:63,659,066, T>C on the plus strand (A>G on the coding strand, the complement: ATL3 is on the minus strand). VCF-style: chr11-63659066-T-C. GRCh37 (hg19) VCF-style: chr11-63426538-T-C.
Other names: c.233A>G (NM_015459.3); c.179A>G, p.Asp60Gly (NM_001290048.2); short protein forms D78G, D60G.
Identifiers: ClinVar variation 950455 (VCV000950455.10), dbSNP rs1385003611, ClinGen allele CA381030671.
Genomic context (GRCh38, chr11:63,659,066, plus strand): 5'-TTTTTACTTGAAATAAAATAATTCTATCTTACCTGAGAATATAAGTATCGTAGCATAAAA[T>C]CCAGAATGAAGGACTTGCCCTTTCGGAAGGCACCAGCCACTGAAACCACCACCACATCAA-3'
Protein context (NP_056274.3, residues 68-88): AFRKGKSFIL[Asp78Gly]FMLRYLYSQK